The following is an entry in ClinVar:

ClinVar aggregate classification (germline): Uncertain significance. Review status: criteria provided, single submitter (1 of 4 stars). 2 submissions from 2 submitters: Uncertain significance (1). 1 of the submissions does not count toward it. Last evaluated 2025-01-10.

Conditions:
PLXNA1-related disorder. Also called: PLXNA1-related condition.

gnomAD v4.1: 74 of 1,604,644 alleles (0.0046%); highest among the groups gnomAD compares: Non-Finnish European, 0.0061%; no homozygotes.

Submissions (2):

Ambry Genetics
Classification: Uncertain significance. Last evaluated: 2025-01-10. Review status: criteria provided, single submitter. Criteria: Ambry Variant Classification Scheme 2023. Collection method: clinical testing. Allele origin: germline.

PreventionGenetics, part of Exact Sciences
Classification: Uncertain significance for PLXNA1-related condition. Last evaluated: 2024-07-08. Review status: no assertion criteria provided. Collection method: clinical testing. Allele origin: germline. Not counted in ClinVar's aggregate classification.
Comment: The PLXNA1 c.179C>A variant is predicted to result in the amino acid substitution p.Thr60Lys. To our knowledge, this variant has not been reported in the literature. This variant is reported in 0.0045% of alleles in individuals of European (Non-Finnish) descent in gnomAD. At this time, the clinical significance of this variant is uncertain due to the absence of conclusive functional and genetic evidence.

NM_032242.4(PLXNA1):c.179C>A (p.Thr60Lys)

Gene: PLXNA1 (plexin A1; plus strand). Cytogenetic location: 3q21.3.
Variant type: single nucleotide variant.
Coding change: c.179C>A on transcript NM_032242.4 (MANE Select); coding-DNA position 179, C replaced by A.
Protein change: p.Thr60Lys; replaces threonine 60 with lysine.
Molecular consequence: missense variant.
Genome position (GRCh38, 1-based): chr3:126,988,772, C>A. VCF-style: chr3-126988772-C-A. GRCh37 (hg19) VCF-style: chr3-126707615-C-A.
Other names: short protein forms T60K.
Identifiers: ClinVar variation 3351977 (VCV003351977.2).